The following is an entry in ClinVar:

ClinVar aggregate classification (germline): Likely benign. Review status: criteria provided, single submitter (1 of 4 stars). 2 submissions from 2 submitters: Likely benign (1). 1 of the submissions does not count toward it. Last evaluated 2024-11-18.

Conditions:
BMPR2-related disorder. Also called: BMPR2-related disorders; BMPR2-related condition.

Submissions (2):

Blueprint Genetics
Classification: Likely benign. Last evaluated: 2024-11-18. Review status: criteria provided, single submitter. Criteria: ACMG Guidelines, 2015. Collection method: clinical testing. Allele origin: germline.

PreventionGenetics, part of Exact Sciences
Classification: Likely benign for BMPR2-related condition. Last evaluated: 2019-03-27. Review status: no assertion criteria provided. Collection method: clinical testing. Allele origin: germline. Not counted in ClinVar's aggregate classification.
Comment: This variant is classified as likely benign based on ACMG/AMP sequence variant interpretation guidelines (Richards et al. 2015 PMID: 25741868, with internal and published modifications).

NM_001204.7(BMPR2):c.-963GGC[8]

Genes: BMPR2 (bone morphogenetic protein receptor type 2; plus strand), LOC129935432 (ATAC-STARR-seq lymphoblastoid silent region 12242; plus strand). Cytogenetic location: 2q33.1.
Variant type: Microsatellite.
Coding change: c.-963GGC[8] on transcript NM_001204.7 (MANE Select); eight copies in a row of the 3-base unit GGC starting at c.-963; the reference has 12 copies in a row; four copies, 12 bases deleted.
Molecular consequence: 5 prime UTR variant.
Genome position (GRCh38, 1-based): chr2:202,376,536-202,376,547, GGCGGCGGCGGC deleted; deleting any 12 consecutive bases within chr2:202,376,512-202,376,547 gives the same sequence; the position shown is the placement nearest the transcript's 3' end. VCF-style (leftmost placement, unchanged base first): chr2-202376511-AGGCGGCGGCGGC-A. GRCh37 (hg19) VCF-style: chr2-203241234-AGGCGGCGGCGGC-A.
Other names: c.-939_-928del12 (NM_001204.6); c.-963_-961GGC[8] (NM_001204.6).
Identifiers: ClinVar variation 3049579 (VCV003049579.3), dbSNP rs375624016, ClinGen allele CA763418268.